The following is an entry in ClinVar:

NM_002230.4(JUP):c.151C>T (p.Arg51Cys)

Gene: JUP (junction plakoglobin; minus strand). Cytogenetic location: 17q21.2.
Variant type: single nucleotide variant.
Coding change: c.151C>T on transcript NM_002230.4 (MANE Select); coding-DNA position 151, C replaced by T.
Protein change: p.Arg51Cys; replaces arginine 51 with cysteine.
Molecular consequence: missense variant.
Genome position (GRCh38, 1-based): chr17:41,771,704, G>A on the plus strand (C>T on the coding strand, the complement: JUP is on the minus strand). VCF-style: chr17-41771704-G-A. GRCh37 (hg19) VCF-style: chr17-39927956-G-A.
Other names: c.151C>T, p.Arg51Cys (NM_001352773.2, NM_001352774.2, NM_001352775.2 and 3 more transcripts); short protein forms R51C.
Identifiers: ClinVar variation 915631 (VCV000915631.10), dbSNP rs782254006, ClinGen allele CA8565573.

ClinVar aggregate classification (germline): Uncertain significance. Review status: criteria provided, multiple submitters, no conflicts (2 of 4 stars). 4 submissions from 4 submitters: Uncertain significance (4). Last evaluated 2024-01-18.

Conditions:
Naxos disease (NXD). Also called: WOOLLY HAIR, PALMOPLANTAR KERATODERMA, AND CARDIAC ABNORMALITIES; CARDIOMYOPATHY, ARRHYTHMOGENIC RIGHT VENTRICULAR, WITH SKIN, HAIR, AND NAIL ABNORMALITIES; KERATOSIS PALMOPLANTARIS WITH ARRHYTHMOGENIC CARDIOMYOPATHY; MAL DE NAXOS; PALMOPLANTAR KERATODERMA WITH ARRHYTHMOGENIC RIGHT VENTRICULAR CARDIOMYOPATHY AND WOOLLY HAIR. Identifiers: Orphanet 34217, MedGen C1832600, MONDO:0011017, OMIM 601214.
Arrhythmogenic right ventricular dysplasia 12. Also called: ARRHYTHMOGENIC RIGHT VENTRICULAR DYSPLASIA, FAMILIAL, 12. Identifiers: MedGen C1969081, MONDO:0012684, OMIM 611528.
Cardiomyopathy (CMYO). Also called: Cardiomyopathies. Identifiers: Orphanet 167848, MedGen C0878544, MONDO:0004994, HP:0001638. Inheritance: Various modes of inheritance.
Cardiovascular phenotype. Identifiers: MedGen CN230736.

Allele frequency attached by ClinVar (database versions not stated): ExAC 0.00001; gnomAD 0.00001; TOPMed 0.00001; gnomAD exomes 0.00002.
gnomAD v4.1: 23 of 1,613,970 alleles (0.0014%); highest among the groups gnomAD compares: South Asian, 0.011%; no homozygotes.

Submissions (4):

Blueprint Genetics
Classification: Uncertain significance. Last evaluated: 2024-01-18. Review status: criteria provided, single submitter. Criteria: ACMG Guidelines, 2015. Collection method: clinical testing. Allele origin: germline.

Ambry Genetics
Classification: Uncertain significance for Cardiovascular phenotype. Last evaluated: 2023-02-14. Review status: criteria provided, single submitter. Criteria: Ambry Variant Classification Scheme 2023. Collection method: clinical testing. Allele origin: germline.

Labcorp Genetics (formerly Invitae), Labcorp
Classification: Uncertain significance for Arrhythmogenic right ventricular dysplasia 12; Naxos disease. Last evaluated: 2021-09-01. Review status: criteria provided, single submitter. Criteria: Invitae Variant Classification Sherloc (09022015). Collection method: clinical testing. Allele origin: germline.
Comment: This sequence change replaces arginine with cysteine at codon 51 of the JUP protein (p.Arg51Cys). The arginine residue is weakly conserved and there is a large physicochemical difference between arginine and cysteine. This variant is present in population databases (rs782254006, ExAC 0.002%). This variant has not been reported in the literature in individuals affected with JUP-related conditions. Algorithms developed to predict the effect of missense changes on protein structure and function (SIFT, PolyPhen-2, Align-GVGD) all suggest that this variant is likely to be tolerated. In summary, the available evidence is currently insufficient to determine the role of this variant in disease. Therefore, it has been classified as a Variant of Uncertain Significance.

CHEO Genetics Diagnostic Laboratory, Children's Hospital of Eastern Ontario
Classification: Uncertain significance for Cardiomyopathy. Last evaluated: 2018-03-23. Review status: criteria provided, single submitter. Criteria: ACMG Guidelines, 2015. Collection method: clinical testing. Allele origin: germline.